The following is an entry in ClinVar:

ClinVar aggregate classification (germline): Pathogenic (1 of 4 stars; one submission).

Conditions:
Tuberous sclerosis 2 (TSC2). Identifiers: Orphanet 805, MedGen C1860707, MONDO:0013199, OMIM 613254.

Submission:

Labcorp Genetics (formerly Invitae), Labcorp
Classification: Pathogenic for Tuberous sclerosis 2. Last evaluated: 2019-08-21. Review status: criteria provided, single submitter. Criteria: Invitae Variant Classification Sherloc (09022015). Collection method: clinical testing. Allele origin: unknown.
Comment: For these reasons, this variant has been classified as Pathogenic. This variant disrupts the C-terminus of the TSC2 protein. Other variant(s) that disrupt this region have been determined to be pathogenic (PMID: 11281455, 17287951, 22169896). This suggests that variants that disrupt this region of the protein are likely to be causative of disease. This variant has not been reported in the literature in individuals with TSC2-related conditions. This variant results in the deletion of exon 27-41 and part of exon 42 (c.2966+99_5357del) of the TSC2 gene. While this is not anticipated to result in nonsense mediated decay, it likely alters RNA splicing and results in a disrupted protein product.

Literature cited by the submitters: PubMed 11281455; PubMed 17287951; PubMed 22169896.

NC_000016.9:g.(?_2127826)_(2138544_?)del

Gene: TSC2 (TSC complex subunit 2; plus strand). Cytogenetic location: 16p13.3.
Variant type: Deletion.
Identifiers: ClinVar variation 3243480 (VCV003243480.1).